The following is an entry in ClinVar:

ClinVar aggregate classification (germline): Uncertain significance (1 of 4 stars; one submission).

Submission:

Labcorp Genetics (formerly Invitae), Labcorp
Classification: Uncertain significance. Last evaluated: 2020-08-21. Review status: criteria provided, single submitter. Criteria: Invitae Variant Classification Sherloc (09022015). Collection method: clinical testing. Allele origin: germline.
Comment: This sequence change replaces cysteine with serine at codon 529 of the COL9A3 protein (p.Cys529Ser). The cysteine residue is highly conserved and there is a moderate physicochemical difference between cysteine and serine. This variant is not present in population databases (ExAC no frequency). This variant has not been reported in the literature in individuals with COL9A3-related conditions. Advanced modeling of protein sequence and biophysical properties (such as structural, functional, and spatial information, amino acid conservation, physicochemical variation, residue mobility, and thermodynamic stability) performed at Invitae indicates that this missense variant is not expected to disrupt COL9A3 protein function. In summary, the available evidence is currently insufficient to determine the role of this variant in disease. Therefore, it has been classified as a Variant of Uncertain Significance.

NM_001853.4(COL9A3):c.1586G>C (p.Cys529Ser)

Genes: COL9A3 (collagen type IX alpha 3 chain; plus strand), LOC126863084 (MED14-independent group 3 enhancer GRCh37_chr20:61467141-61468340; plus strand). Cytogenetic location: 20q13.33.
Variant type: single nucleotide variant.
Coding change: c.1586G>C on transcript NM_001853.4 (MANE Select); coding-DNA position 1586, G replaced by C.
Protein change: p.Cys529Ser; replaces cysteine 529 with serine.
Molecular consequence: missense variant.
Genome position (GRCh38, 1-based): chr20:62,836,515, G>C. VCF-style: chr20-62836515-G-C. GRCh37 (hg19) VCF-style: chr20-61467867-G-C.
Other names: short protein forms C529S.
Identifiers: ClinVar variation 1003519 (VCV001003519.9), dbSNP rs2063637748, ClinGen allele CA409598644.
Genomic context (GRCh38, chr20:62,836,515, plus strand): 5'-CGAATGTGTGGGGTGAATTCCAGGGGAAGGAGGCCAGCGAGCAGCGCATCAGGGAGCTGT[G>C]TGGGGGGATGATCAGCGGTAAGTCAGCCACGTGCACCGGCTGCAGCGGGGCCCATCCCCG-3'
Protein context (NP_001844.3, residues 519-539): EASEQRIREL[Cys529Ser]GGMISEQIAQ